The following is an entry in ClinVar:

ClinVar aggregate classification (germline): Uncertain significance. Review status: criteria provided, multiple submitters, no conflicts (2 of 4 stars). 2 submissions from 2 submitters: Uncertain significance (2). Last evaluated 2025-09-16.

Conditions:
Inborn genetic diseases. Identifiers: MedGen C0950123, MeSH D030342.

Allele frequency attached by ClinVar (database versions not stated): 1000 Genomes Project 30x 0.00016; 1000 Genomes Project 0.00020; gnomAD 0.00037; ExAC 0.00038; TOPMed 0.00040; gnomAD exomes 0.00051; ESP Exome Variant Server 0.00069.
gnomAD v4.1: 790 of 1,609,890 alleles (0.049%); highest among the groups gnomAD compares: Non-Finnish European, 0.062%; no homozygotes.

Submissions (2):

Women's Health and Genetics/Laboratory Corporation of America, LabCorp
Classification: Uncertain significance. Last evaluated: 2025-09-16. Review status: criteria provided, single submitter. Criteria: LabCorp Variant Classification Summary - May 2015. Collection method: clinical testing. Allele origin: germline.
Comment: Variant summary: AFG2B c.2213A>G (p.Tyr738Cys) results in a non-conservative amino acid change in the encoded protein sequence. Algorithms developed to predict the effect of missense changes on protein structure and function are either unavailable or do not agree on the potential impact of this missense change. The variant allele was found at a frequency of 0.00036 in 278236 control chromosomes. This frequency is not significantly higher than estimated for disease-causing variants in AFG2B, allowing no conclusion about variant significance. To our knowledge, no occurrence of c.2213A>G in individuals affected with AFG2B-related conditions and no experimental evidence demonstrating its impact on protein function have been reported. ClinVar contains an entry for this variant (Variation ID: 2222797). Based on the evidence outlined above, the variant was classified as uncertain significance.

Ambry Genetics
Classification: Uncertain significance for Inborn genetic diseases. Last evaluated: 2021-08-30. Review status: criteria provided, single submitter. Criteria: Ambry Variant Classification Scheme 2023. Collection method: clinical testing. Allele origin: germline.

NM_024063.3(AFG2B):c.2213A>G (p.Tyr738Cys)

Gene: AFG2B (AAA ATPase AFG2B; plus strand). Cytogenetic location: 15q21.1.
Variant type: single nucleotide variant.
Coding change: c.2213A>G on transcript NM_024063.3 (MANE Select); coding-DNA position 2213, A replaced by G.
Protein change: p.Tyr738Cys; replaces tyrosine 738 with cysteine.
Molecular consequence: missense variant. On other transcripts: non-coding transcript variant (5).
Genome position (GRCh38, 1-based): chr15:45,421,161, A>G. VCF-style: chr15-45421161-A-G. GRCh37 (hg19) VCF-style: chr15-45713359-A-G.
Other names: short protein forms Y738C.
Identifiers: ClinVar variation 2222797 (VCV002222797.4), dbSNP rs144102603, ClinGen allele CA7543627.